The following is an entry in ClinVar:

NM_000090.4(COL3A1):c.4046T>G (p.Val1349Gly)

Gene: COL3A1 (collagen type III alpha 1 chain; plus strand). Cytogenetic location: 2q32.2.
Variant type: single nucleotide variant.
Coding change: c.4046T>G on transcript NM_000090.4 (MANE Select); coding-DNA position 4046, T replaced by G.
Protein change: p.Val1349Gly; replaces valine 1349 with glycine.
Molecular consequence: missense variant.
Genome position (GRCh38, 1-based): chr2:189,010,682, T>G. VCF-style: chr2-189010682-T-G. GRCh37 (hg19) VCF-style: chr2-189875408-T-G.
Other names: short protein forms V1349G.
Identifiers: ClinVar variation 1994168 (VCV001994168.4), dbSNP rs2469170199, ClinGen allele CA349849239.

ClinVar aggregate classification (germline): Uncertain significance (1 of 4 stars; one submission).

Conditions:
Ehlers-Danlos syndrome, type 4 (EDSVASC). Also called: Ehlers-Danlos syndrome vascular type; Ehlers Danlos syndrome, ecchymotic type; Ehlers Danlos syndrome, arterial type; Ehlers Danlos syndrome, Sack-Barabas type; Ehlers-Danlos Syndrome Type IV. Identifiers: Orphanet 286, MedGen C0268338, MONDO:0017314, OMIM 130050.

Submission:

Labcorp Genetics (formerly Invitae), Labcorp
Classification: Uncertain significance for Ehlers-Danlos syndrome, type 4. Last evaluated: 2022-05-13. Review status: criteria provided, single submitter. Criteria: Invitae Variant Classification Sherloc (09022015). Collection method: clinical testing. Allele origin: germline.
Comment: This variant has not been reported in the literature in individuals affected with COL3A1-related conditions. In summary, the available evidence is currently insufficient to determine the role of this variant in disease. Therefore, it has been classified as a Variant of Uncertain Significance. Advanced modeling of protein sequence and biophysical properties (such as structural, functional, and spatial information, amino acid conservation, physicochemical variation, residue mobility, and thermodynamic stability) performed at Invitae indicates that this missense variant is not expected to disrupt COL3A1 protein function. This variant is not present in population databases (gnomAD no frequency). This sequence change replaces valine, which is neutral and non-polar, with glycine, which is neutral and non-polar, at codon 1349 of the COL3A1 protein (p.Val1349Gly).